The following is an entry in ClinVar:

ClinVar aggregate classification (germline): Pathogenic (1 of 4 stars; one submission).

Conditions:
Bardet-Biedl syndrome (BBS). Identifiers: Orphanet 110, MedGen C0752166, MONDO:0015229.

Submission:

Labcorp Genetics (formerly Invitae), Labcorp
Classification: Pathogenic for Bardet-Biedl syndrome. Last evaluated: 2025-09-15. Review status: criteria provided, single submitter. Criteria: Invitae Variant Classification Sherloc (09022015). Collection method: clinical testing. Allele origin: germline.
Comment: This sequence change creates a premature translational stop signal (p.Val346Trpfs*27) in the BBS1 gene. It is expected to result in an absent or disrupted protein product. Loss-of-function variants in BBS1 are known to be pathogenic (PMID: 12118255, 21520335, 27032803). This variant is not present in population databases (gnomAD no frequency). This variant has not been reported in the literature in individuals affected with BBS1-related conditions. ClinVar contains an entry for this variant (Variation ID: 1998644). For these reasons, this variant has been classified as Pathogenic.

Literature cited by the submitters: PubMed 12118255; PubMed 21520335; PubMed 27032803.

NM_024649.5(BBS1):c.1035_1038del (p.Val346fs)

Genes: BBS1 (Bardet-Biedl syndrome 1; plus strand), ZDHHC24 (zDHHC palmitoyltransferase 24; minus strand). Cytogenetic location: 11q13.2.
Variant type: Deletion.
Coding change: c.1035_1038del on transcript NM_024649.5 (MANE Select); coding-DNA positions 1035 to 1038, 4 bases deleted (CGTC; older notation c.1035_1038delCGTC).
Protein change: p.Val346fs; shifts the reading frame from valine 346.
Molecular consequence: frameshift variant. On other transcripts: intron variant (1).
Genome position (GRCh38, 1-based): chr11:66,523,807-66,523,810, CGTC deleted; deleting any 4 consecutive bases within chr11:66,523,806-66,523,810 gives the same sequence; the c. name uses the placement nearest the transcript's 3' end. VCF-style (leftmost placement, unchanged base first): chr11-66523805-GCCGT-G. GRCh37 (hg19) VCF-style: chr11-66291276-GCCGT-G.
Other names: c.*22-2343_*22-2340del (NM_001348571.2); short protein forms V346fs.
Identifiers: ClinVar variation 1998644 (VCV001998644.4), dbSNP rs2495779741, ClinGen allele CA2580084547.